The following is an entry in ClinVar:

ClinVar aggregate classification (germline): Uncertain significance. Review status: criteria provided, multiple submitters, no conflicts (2 of 4 stars). 3 submissions from 3 submitters: Uncertain significance (3). Last evaluated 2025-08-20.

Conditions:
Cortical dysplasia-focal epilepsy syndrome (PTHSL1). Also called: Pitt-Hopkins-like syndrome 1. Identifiers: Orphanet 163681, Orphanet 221150, MedGen C2750246, MONDO:0012400, OMIM 610042.

Allele frequency attached by ClinVar (database versions not stated): ExAC 0.00003; gnomAD 0.00003; gnomAD exomes 0.00003 and 0.00004; TOPMed 0.00004.

Submissions (3):

GeneDx
Classification: Uncertain significance. Last evaluated: 2025-08-20. Review status: criteria provided, single submitter. Criteria: GeneDx Variant Classification Process June 2021. Collection method: clinical testing. Allele origin: germline.
Comment: Not observed at significant frequency in large population cohorts (gnomAD); In silico analysis suggests that this missense variant does not alter protein structure/function; Has not been previously published as pathogenic or benign to our knowledge

Labcorp Genetics (formerly Invitae), Labcorp
Classification: Uncertain significance for Cortical dysplasia-focal epilepsy syndrome. Last evaluated: 2022-02-05. Review status: criteria provided, single submitter. Criteria: Invitae Variant Classification Sherloc (09022015). Collection method: clinical testing. Allele origin: germline.
Comment: This sequence change replaces arginine, which is basic and polar, with tryptophan, which is neutral and slightly polar, at codon 114 of the CNTNAP2 protein (p.Arg114Trp). This variant is present in population databases (rs756180841, gnomAD 0.008%). This variant has not been reported in the literature in individuals affected with CNTNAP2-related conditions. ClinVar contains an entry for this variant (Variation ID: 434803). Algorithms developed to predict the effect of missense changes on protein structure and function are either unavailable or do not agree on the potential impact of this missense change (SIFT: "Deleterious"; PolyPhen-2: "Probably Damaging"; Align-GVGD: "Class C0"). In summary, the available evidence is currently insufficient to determine the role of this variant in disease. Therefore, it has been classified as a Variant of Uncertain Significance.

Genetic Services Laboratory, University of Chicago
Classification: Uncertain significance. Last evaluated: 2015-09-03. Review status: criteria provided, single submitter. Criteria: ACMG Guidelines, 2015. Collection method: clinical testing. Allele origin: germline. Affected: no.

NM_014141.6(CNTNAP2):c.340C>T (p.Arg114Trp)

Gene: CNTNAP2 (contactin associated protein 2; plus strand). Cytogenetic location: 7q35.
Variant type: single nucleotide variant.
Coding change: c.340C>T on transcript NM_014141.6 (MANE Select); coding-DNA position 340, C replaced by T.
Protein change: p.Arg114Trp; replaces arginine 114 with tryptophan.
Molecular consequence: missense variant.
Genome position (GRCh38, 1-based): chr7:146,839,842, C>T. VCF-style: chr7-146839842-C-T. GRCh37 (hg19) VCF-style: chr7-146536934-C-T.
Other names: short protein forms R114W.
Identifiers: ClinVar variation 434803 (VCV000434803.10), dbSNP rs756180841, ClinGen allele CA4545747.